The following is an entry in ClinVar:

NM_004360.5(CDH1):c.2135G>A (p.Gly712Glu)

Gene: CDH1 (cadherin 1; plus strand). Cytogenetic location: 16q22.1.
Variant type: single nucleotide variant.
Coding change: c.2135G>A on transcript NM_004360.5 (MANE Select); coding-DNA position 2135, G replaced by A.
Protein change: p.Gly712Glu; replaces glycine 712 with glutamic acid.
Molecular consequence: missense variant.
Genome position (GRCh38, 1-based): chr16:68,823,597, G>A. VCF-style: chr16-68823597-G-A. GRCh37 (hg19) VCF-style: chr16-68857500-G-A.
Other names: c.1952G>A, p.Gly651Glu (NM_001317184.2); c.587G>A, p.Gly196Glu (NM_001317185.2); c.170G>A, p.Gly57Glu (NM_001317186.2); short protein forms G712E, G651E, G196E, G57E.
Identifiers: ClinVar variation 5034014 (VCV005034014.1).
Genomic context (GRCh38, chr16:68,823,597, plus strand): 5'-CTGGCGTCTGTAGGAAGGCACAGCCTGTCGAAGCAGGATTGCAAATTCCTGCCATTCTGG[G>A]GATTCTTGGAGGAATTCTTGCTTTGCTAAGTAAGTCCAGCTGGCAAGTGACTCAGCCTTT-3'
Protein context (NP_004351.1, residues 702-722): EAGLQIPAIL[Gly712Glu]ILGGILALLI

ClinVar aggregate classification (germline): Uncertain significance (1 of 4 stars; one submission).

Conditions:
Hereditary cancer-predisposing syndrome. Also called: Neoplastic Syndromes, Hereditary; Tumor predisposition; Hereditary neoplastic syndrome; Hereditary Cancer Syndrome. Identifiers: Orphanet 140162, MedGen C0027672, MeSH D009386, MONDO:0015356.

Submission:

Ambry Genetics
Classification: Uncertain significance for Hereditary cancer-predisposing syndrome. Last evaluated: 2026-08-12. Review status: criteria provided, single submitter. Criteria: Ambry Variant Classification Scheme 2023. Collection method: clinical testing. Allele origin: germline.
Comment: The p.G712E variant (also known as c.2135G>A), located in coding exon 13 of the CDH1 gene, results from a G to A substitution at nucleotide position 2135. The glycine at codon 712 is replaced by glutamic acid, an amino acid with similar properties. This amino acid position is conserved. In addition, this alteration is predicted to be deleterious by in silico analysis. Based on the available evidence, the clinical significance of this variant remains unclear.